The following is an entry in ClinVar:

NM_003922.4(HERC1):c.8982C>T (p.His2994=)

Gene: HERC1 (HECT and RLD domain containing E3 ubiquitin protein ligase family member 1; minus strand). Cytogenetic location: 15q22.31.
Variant type: single nucleotide variant.
Coding change: c.8982C>T on transcript NM_003922.4 (MANE Select); coding-DNA position 8982, C replaced by T.
Protein change: p.His2994=; no amino-acid change (histidine 2994 retained).
Molecular consequence: synonymous variant.
Genome position (GRCh38, 1-based): chr15:63,661,941, G>A on the plus strand (C>T on the coding strand, the complement: HERC1 is on the minus strand). VCF-style: chr15-63661941-G-A. GRCh37 (hg19) VCF-style: chr15-63954140-G-A.
Identifiers: ClinVar variation 2072317 (VCV002072317.8), dbSNP rs748647000, ClinGen allele CA7604817.
Genomic context (GRCh38, chr15:63,661,941, plus strand): 5'-ATTGCTGCGATAGCCCTGGCGGTTTGCACTGCGCCCACAGCCTGGATGGTTTCTCTTCAT[G>A]TGCTGATTGAAGCTGACGACGCTGCATTCACACAGTTCACACACCACCACTTCTTCCCTG-3'
Protein context (NP_003913.3, residues 2984-3004): CECSVVSFNQ[His2994=]MKRNHPGCGR

ClinVar aggregate classification (germline): Likely benign. Review status: criteria provided, multiple submitters, no conflicts (2 of 4 stars). 2 submissions from 2 submitters: Likely benign (2). Last evaluated 2026-02-01.

Allele frequency attached by ClinVar (database versions not stated): gnomAD 0.00003; gnomAD exomes 0.00005; ExAC 0.00007; TOPMed 0.00008.
gnomAD v4.1: 32 of 1,613,830 alleles (0.002%); highest among the groups gnomAD compares: Admixed American, 0.052%; no homozygotes.

Submissions (2):

CeGaT Center for Human Genetics Tuebingen
Classification: Likely benign. Last evaluated: 2026-02-01. Review status: criteria provided, single submitter. Criteria: CeGaT Center For Human Genetics Tuebingen Variant Classification Criteria Version 2. Collection method: clinical testing. Allele origin: germline. Affected: yes. Observed: 1 variant allele.
Comment: HERC1: BP4, BP7

Labcorp Genetics (formerly Invitae), Labcorp
Classification: Likely benign. Last evaluated: 2025-10-09. Review status: criteria provided, single submitter. Criteria: Invitae Variant Classification Sherloc (09022015). Collection method: clinical testing. Allele origin: germline.